The following is an entry in ClinVar:

ClinVar aggregate classification (germline): Likely benign (1 of 4 stars; one submission).

Allele frequency attached by ClinVar (database versions not stated): gnomAD exomes below 0.00001 and 0.00001.
gnomAD v4.1: 2 of 1,550,174 alleles (0.00013%); highest among the groups gnomAD compares: African/African-American, 0.0014%; no homozygotes.

Submission:

GeneDx
Classification: Likely benign. Last evaluated: 2017-07-26. Review status: criteria provided, single submitter. Criteria: GeneDx Variant Classification (06012015). Collection method: clinical testing. Allele origin: germline. Affected: yes.
Comment: This variant is considered likely benign or benign based on one or more of the following criteria: it is a conservative change, it occurs at a poorly conserved position in the protein, it is predicted to be benign by multiple in silico algorithms, and/or has population frequency not consistent with disease.

NM_001367624.2(ZNF469):c.2508T>C (p.Asp836=)

Gene: ZNF469 (zinc finger protein 469; plus strand). Cytogenetic location: 16q24.2.
Variant type: single nucleotide variant.
Coding change: c.2508T>C on transcript NM_001367624.2 (MANE Select); coding-DNA position 2508, T replaced by C.
Protein change: p.Asp836=; no amino-acid change (aspartic acid 836 retained).
Molecular consequence: synonymous variant.
Genome position (GRCh38, 1-based): chr16:88,429,978, T>C. VCF-style: chr16-88429978-T-C. GRCh37 (hg19) VCF-style: chr16-88496386-T-C.
Identifiers: ClinVar variation 510892 (VCV000510892.1), dbSNP rs1447365697, ClinGen allele CA497353534.